The following is an entry in ClinVar:

NM_001711.6(BGN):c.312G>C (p.Glu104Asp)

Gene: BGN (biglycan; plus strand). Cytogenetic location: Xq28.
Variant type: single nucleotide variant.
Coding change: c.312G>C on transcript NM_001711.6 (MANE Select); coding-DNA position 312, G replaced by C.
Protein change: p.Glu104Asp; replaces glutamic acid 104 with aspartic acid.
Molecular consequence: missense variant.
Genome position (GRCh38, 1-based): chrX:153,505,311, G>C. VCF-style: chrX-153505311-G-C. GRCh37 (hg19) VCF-style: chrX-152770769-G-C.
Other names: short protein forms E104D.
Identifiers: ClinVar variation 1727949 (VCV001727949.8), dbSNP rs782533603, ClinGen allele CA10547189.

ClinVar aggregate classification (germline): Uncertain significance. Review status: criteria provided, multiple submitters, no conflicts (2 of 4 stars). 3 submissions from 3 submitters: Uncertain significance (3). Last evaluated 2023-08-11.

Conditions:
Cardiovascular phenotype. Identifiers: MedGen CN230736.

Allele frequency attached by ClinVar (database versions not stated): ExAC 0.00001; gnomAD 0.00001; TOPMed 0.00001.
gnomAD v4.1: 33 of 1,209,132 alleles (0.0027%); highest among the groups gnomAD compares: African/African-American, 0.0035%; no homozygotes.

Submissions (3):

Labcorp Genetics (formerly Invitae), Labcorp
Classification: Uncertain significance. Last evaluated: 2023-08-11. Review status: criteria provided, single submitter. Criteria: Invitae Variant Classification Sherloc (09022015). Collection method: clinical testing. Allele origin: germline.
Comment: This sequence change replaces glutamic acid, which is acidic and polar, with aspartic acid, which is acidic and polar, at codon 104 of the BGN protein (p.Glu104Asp). This variant is present in population databases (rs782533603, gnomAD 0.008%). This variant has not been reported in the literature in individuals affected with BGN-related conditions. ClinVar contains an entry for this variant (Variation ID: 1727949). Advanced modeling of protein sequence and biophysical properties (such as structural, functional, and spatial information, amino acid conservation, physicochemical variation, residue mobility, and thermodynamic stability) performed at Invitae indicates that this missense variant is not expected to disrupt BGN protein function. In summary, the available evidence is currently insufficient to determine the role of this variant in disease. Therefore, it has been classified as a Variant of Uncertain Significance.

Ambry Genetics
Classification: Uncertain significance for Cardiovascular phenotype. Last evaluated: 2022-05-30. Review status: criteria provided, single submitter. Criteria: Ambry Variant Classification Scheme 2023. Collection method: clinical testing. Allele origin: germline.
Comment: The p.E104D variant (also known as c.312G>C), located in coding exon 2 of the BGN gene, results from a G to C substitution at nucleotide position 312. The glutamic acid at codon 104 is replaced by aspartic acid, an amino acid with highly similar properties. This amino acid position is conserved. In addition, the in silico prediction for this alteration is inconclusive. Since supporting evidence is limited at this time, the clinical significance of this alteration remains unclear.

Revvity Omics, Revvity
Classification: Uncertain significance. Last evaluated: 2021-06-16. Review status: criteria provided, single submitter. Criteria: ACMG Guidelines, 2015. Collection method: clinical testing. Allele origin: germline.